The following is an entry in ClinVar:

NM_213655.5(WNK1):c.2164G>T (p.Val722Phe)

Gene: WNK1 (WNK lysine deficient protein kinase 1; plus strand). Cytogenetic location: 12p13.33.
Variant type: single nucleotide variant.
Coding change: c.2164G>T on transcript NM_213655.5 (MANE Plus Clinical); coding-DNA position 2164, G replaced by T.
Protein change: p.Val722Phe; replaces valine 722 with phenylalanine.
Molecular consequence: missense variant. On other transcripts: intron variant (3).
Genome position (GRCh38, 1-based): chr12:865,134, G>T. VCF-style: chr12-865134-G-T. GRCh37 (hg19) VCF-style: chr12-974300-G-T.
Other names: c.2140-2732G>T (NM_001184985.2); c.2139+2864G>T (NM_018979.4, NM_014823.3); short protein forms V722F.
Identifiers: ClinVar variation 1027162 (VCV001027162.8), dbSNP rs1166476563, ClinGen allele CA383337499.
Genomic context (GRCh38, chr12:865,134, plus strand): 5'-CTGTGTTTTTCATGTGTGTGTTTGTTTTGTGTTGAGCCTCGTCGTGGCCGTAGCATGTCG[G>T]TTTGTGTTCCCATCTTTCTGCTGTTGCCTCTGTGTCCCGCATCTCTCCCAGTGCTCTTCC-3'
Protein context (NP_998820.3, residues 712-732): SVPRRGRSMS[Val722Phe]CVPIFLLLPL

ClinVar aggregate classification (germline): Uncertain significance. Review status: criteria provided, multiple submitters, no conflicts (2 of 4 stars). 2 submissions from 2 submitters: Uncertain significance (2). Last evaluated 2024-06-17.

Conditions:
Inborn genetic diseases. Identifiers: MedGen C0950123, MeSH D030342.
Pseudohypoaldosteronism type 2C (PHA2C). Also called: Pseudohypoaldosteronism Type IIC. Identifiers: Orphanet 757, Orphanet 88940, MedGen C1840391, MONDO:0013778, OMIM 614492.
Neuropathy, hereditary sensory and autonomic, type 2A (HSAN2A). Also called: ACROOSTEOLYSIS, GIACCAI TYPE; ACROOSTEOLYSIS, NEUROGENIC; MORVAN DISEASE; NEUROPATHY, CONGENITAL SENSORY; NEUROPATHY, HEREDITARY SENSORY RADICULAR, AUTOSOMAL RECESSIVE; NEUROPATHY, HEREDITARY SENSORY, TYPE IIA. Identifiers: Orphanet 970, MedGen C2752089, MONDO:0024309, OMIM 201300.

Allele frequency attached by ClinVar (database versions not stated): gnomAD 0.00002 and 0.00001; gnomAD exomes 0.00002 and 0.00003; TOPMed 0.00001.
gnomAD v4.1: 46 of 1,516,632 alleles (0.003%); highest among the groups gnomAD compares: Non-Finnish European, 0.0038%; no homozygotes.

Submissions (2):

Labcorp Genetics (formerly Invitae), Labcorp
Classification: Uncertain significance for Neuropathy, hereditary sensory and autonomic, type 2A; Pseudohypoaldosteronism type 2C. Last evaluated: 2024-06-17. Review status: criteria provided, single submitter. Criteria: Invitae Variant Classification Sherloc (09022015). Collection method: clinical testing. Allele origin: germline.
Comment: This sequence change replaces valine, which is neutral and non-polar, with phenylalanine, which is neutral and non-polar, at codon 722 of the WNK1 protein (p.Val722Phe). This variant is present in population databases (no rsID available, gnomAD 0.005%). This variant has not been reported in the literature in individuals affected with WNK1-related conditions. ClinVar contains an entry for this variant (Variation ID: 1027162). Advanced modeling of protein sequence and biophysical properties (such as structural, functional, and spatial information, amino acid conservation, physicochemical variation, residue mobility, and thermodynamic stability) performed at Invitae indicates that this missense variant is not expected to disrupt WNK1 protein function with a negative predictive value of 95%. In summary, the available evidence is currently insufficient to determine the role of this variant in disease. Therefore, it has been classified as a Variant of Uncertain Significance.

Ambry Genetics
Classification: Uncertain significance for Inborn genetic diseases. Last evaluated: 2023-12-13. Review status: criteria provided, single submitter. Criteria: Ambry Variant Classification Scheme 2023. Collection method: clinical testing. Allele origin: germline.